The following is an entry in ClinVar:

NM_001142800.2(EYS):c.1184+1G>A

Gene: EYS (EGF-like photoreceptor maintenance factor; minus strand). Cytogenetic location: 6q12.
Variant type: single nucleotide variant.
Coding change: c.1184+1G>A on transcript NM_001142800.2 (MANE Select); the canonical splice donor site of the intron after coding-DNA position 1184, G replaced by A.
Molecular consequence: splice donor variant.
Genome position (GRCh38, 1-based): chr6:65,402,477, C>T on the plus strand (G>A on the coding strand, the complement: EYS is on the minus strand). VCF-style: chr6-65402477-C-T. GRCh37 (hg19) VCF-style: chr6-66112370-C-T.
Other names: c.1184+1G>A (NM_001292009.2, NM_001142801.2, NM_198283.2).
Identifiers: ClinVar variation 1068377 (VCV001068377.10), dbSNP rs2150363733, ClinGen allele CA364662244.

ClinVar aggregate classification (germline): Pathogenic/Likely pathogenic. Review status: criteria provided, multiple submitters, no conflicts (2 of 4 stars). 2 submissions from 2 submitters: Pathogenic (1); Likely pathogenic (1). Last evaluated 2024-06-05.

Conditions:
Retinitis pigmentosa 25 (RP25). Identifiers: Orphanet 791, MedGen C1864446, MONDO:0011272, OMIM 602772.

Submissions (2):

Fulgent Genetics
Classification: Pathogenic for Retinitis pigmentosa 25. Last evaluated: 2024-06-05. Review status: criteria provided, single submitter. Criteria: ACMG Guidelines, 2015. Collection method: clinical testing. Allele origin: germline.

Labcorp Genetics (formerly Invitae), Labcorp
Classification: Likely pathogenic. Last evaluated: 2020-03-28. Review status: criteria provided, single submitter. Criteria: Invitae Variant Classification Sherloc (09022015). Collection method: clinical testing. Allele origin: germline.
Comment: In summary, the currently available evidence indicates that the variant is pathogenic, but additional data are needed to prove that conclusively. Therefore, this variant has been classified as Likely Pathogenic. Donor and acceptor splice site variants typically lead to a loss of protein function (PMID: 16199547), and loss-of-function variants in EYS are known to be pathogenic (PMID: 18836446, 20333770). Algorithms developed to predict the effect of sequence changes on RNA splicing suggest that this variant may disrupt the consensus splice site, but this prediction has not been confirmed by published transcriptional studies. This variant has been observed in individual(s) with retinitis pigmentosa (PMID: 30153090). This variant is not present in population databases (ExAC no frequency). This sequence change affects a donor splice site in intron 7 of the EYS gene. It is expected to disrupt RNA splicing and likely results in an absent or disrupted protein product.

Literature cited by the submitters: PubMed 16199547 (cited by Labcorp Genetics (formerly Invitae), Labcorp); PubMed 18836446 (cited by Labcorp Genetics (formerly Invitae), Labcorp); PubMed 20333770 (cited by Labcorp Genetics (formerly Invitae), Labcorp); PubMed 30153090 (cited by Labcorp Genetics (formerly Invitae), Labcorp).